The following is an entry in ClinVar:

ClinVar aggregate classification (germline): Benign. Review status: criteria provided, multiple submitters, no conflicts (2 of 4 stars). 3 submissions from 3 submitters: Benign (3). Last evaluated 2026-01-01.

Conditions:
Cataract 6 multiple types. Also called: CATARACT, AGE-RELATED CORTICAL, 2; CATARACT 6, POSTERIOR POLAR; CATARACT 6, CONGENITAL TOTAL. Identifiers: Orphanet 91492, MedGen C1861825, MONDO:0007288, OMIM 116600.

Allele frequency attached by ClinVar (database versions not stated): gnomAD exomes 0.00153 and 0.00212; ExAC 0.00226; ESP Exome Variant Server 0.00438; gnomAD 0.00455 and 0.00475; TOPMed 0.00589; 1000 Genomes Project 0.00599; 1000 Genomes Project 30x 0.00687.
gnomAD v4.1: 3,068 of 1,613,902 alleles (0.19%); highest among the groups gnomAD compares: African/African-American, 1.2%; 17 homozygotes.

Submissions (3):

Labcorp Genetics (formerly Invitae), Labcorp
Classification: Benign for Cataract 6 multiple types. Last evaluated: 2026-01-01. Review status: criteria provided, single submitter. Criteria: Invitae Variant Classification Sherloc (09022015). Collection method: clinical testing. Allele origin: germline.

Illumina Laboratory Services, Illumina
Classification: Benign for Cataract 6 multiple types. Last evaluated: 2018-01-13. Review status: criteria provided, single submitter. Criteria: ICSL Variant Classification Criteria 13 December 2019. Collection method: clinical testing. Allele origin: germline.
Comment: This variant was observed in the ICSL laboratory as part of a predisposition screen in an ostensibly healthy population. It had not been previously curated by ICSL or reported in the Human Gene Mutation Database (HGMD: prior to June 1st, 2018), and was therefore a candidate for classification through an automated scoring system. Utilizing variant allele frequency, disease prevalence and penetrance estimates, and inheritance mode, an automated score was calculated to assess if this variant is too frequent to cause the disease. Based on the score and internal cut-off values, a variant classified as benign is not then subjected to further curation. The score for this variant resulted in a classification of benign for this disease.

Breakthrough Genomics
Classification: Benign. Review status: criteria provided, single submitter. Criteria: ACMG Guidelines, 2015. Collection method: not provided. Allele origin: germline. Inheritance: Autosomal dominant inheritance. Affected: yes.

NM_004431.5(EPHA2):c.2919G>A (p.Gly973=)

Gene: EPHA2 (EPH receptor A2; minus strand). Cytogenetic location: 1p36.13.
Variant type: single nucleotide variant.
Coding change: c.2919G>A on transcript NM_004431.5 (MANE Select); coding-DNA position 2919, G replaced by A.
Protein change: p.Gly973=; no amino-acid change (glycine 973 retained).
Molecular consequence: synonymous variant.
Genome position (GRCh38, 1-based): chr1:16,125,227, C>T on the plus strand (G>A on the coding strand, the complement: EPHA2 is on the minus strand). VCF-style: chr1-16125227-C-T. GRCh37 (hg19) VCF-style: chr1-16451722-C-T.
Other names: c.2757G>A, p.Gly919= (NM_001329090.2).
Identifiers: ClinVar variation 293405 (VCV000293405.15), dbSNP rs114895977, ClinGen allele CA624667.